The following is an entry in ClinVar:

NM_004523.4(KIF11):c.1784A>C (p.Asn595Thr)

Gene: KIF11 (kinesin family member 11; plus strand). Cytogenetic location: 10q23.33.
Variant type: single nucleotide variant.
Coding change: c.1784A>C on transcript NM_004523.4 (MANE Select); coding-DNA position 1784, A replaced by C.
Protein change: p.Asn595Thr; replaces asparagine 595 with threonine.
Molecular consequence: missense variant.
Genome position (GRCh38, 1-based): chr10:92,633,704, A>C. VCF-style: chr10-92633704-A-C. GRCh37 (hg19) VCF-style: chr10-94393461-A-C.
Other names: c.1784A>C (NM_004523.3); short protein forms N595T.
Identifiers: ClinVar variation 1017281 (VCV001017281.9), dbSNP rs1844763139, ClinGen allele CA377592686.

ClinVar aggregate classification (germline): Uncertain significance. Review status: criteria provided, multiple submitters, no conflicts (2 of 4 stars). 2 submissions from 2 submitters: Uncertain significance (2). Last evaluated 2025-08-21.

Conditions:
Inborn genetic diseases. Identifiers: MedGen C0950123, MeSH D030342.

Allele frequency attached by ClinVar (database versions not stated): gnomAD exomes 0.00001.
gnomAD v4.1: 11 of 1,597,044 alleles (0.00069%); highest among the groups gnomAD compares: Non-Finnish European, 0.00086%; no homozygotes.

Submissions (2):

Ambry Genetics
Classification: Uncertain significance for Inborn genetic diseases. Last evaluated: 2025-08-21. Review status: criteria provided, single submitter. Criteria: Ambry Variant Classification Scheme 2023. Collection method: clinical testing. Allele origin: germline.

Labcorp Genetics (formerly Invitae), Labcorp
Classification: Uncertain significance. Last evaluated: 2025-04-23. Review status: criteria provided, single submitter. Criteria: Invitae Variant Classification Sherloc (09022015). Collection method: clinical testing. Allele origin: germline.
Comment: This sequence change replaces asparagine, which is neutral and polar, with threonine, which is neutral and polar, at codon 595 of the KIF11 protein (p.Asn595Thr). This variant is not present in population databases (gnomAD no frequency). This variant has not been reported in the literature in individuals affected with KIF11-related conditions. ClinVar contains an entry for this variant (Variation ID: 1017281). Invitae Evidence Modeling of protein sequence and biophysical properties (such as structural, functional, and spatial information, amino acid conservation, physicochemical variation, residue mobility, and thermodynamic stability) indicates that this missense variant is not expected to disrupt KIF11 protein function with a negative predictive value of 95%. In summary, the available evidence is currently insufficient to determine the role of this variant in disease. Therefore, it has been classified as a Variant of Uncertain Significance.